The following is an entry in ClinVar:

NM_015311.3(OBSL1):c.3940C>T (p.Arg1314Trp)

Gene: OBSL1 (obscurin like cytoskeletal adaptor 1; minus strand). Cytogenetic location: 2q35.
Variant type: single nucleotide variant.
Coding change: c.3940C>T on transcript NM_015311.3 (MANE Select); coding-DNA position 3940, C replaced by T.
Protein change: p.Arg1314Trp; replaces arginine 1314 with tryptophan.
Molecular consequence: missense variant.
Genome position (GRCh38, 1-based): chr2:219,557,469, G>A on the plus strand (C>T on the coding strand, the complement: OBSL1 is on the minus strand). VCF-style: chr2-219557469-G-A. GRCh37 (hg19) VCF-style: chr2-220422191-G-A.
Other names: c.3940C>T, p.Arg1314Trp (NM_001173431.2); c.3940C>T (NM_015311.2); short protein forms R1314W.
Identifiers: ClinVar variation 1435852 (VCV001435852.6), dbSNP rs1298506284, ClinGen allele CA350732972.
Genomic context (GRCh38, chr2:219,557,469, plus strand): 5'-CGCTCCGTGCCCCCTGCACCCGCAGCACCTGCCTGGCCCCGGCCTGCTCCAGCTGCACCC[G>A]CCCCTGGCTTGCCAGTCGCTCCCCGTCCTTGTACCAGCGTACAGGGCCCCCTGGCCCGGA-3'
Protein context (NP_056126.1, residues 1304-1324): KDGERLASQG[Arg1314Trp]VQLEQAGARQ

ClinVar aggregate classification (germline): Uncertain significance. Review status: criteria provided, multiple submitters, no conflicts (2 of 4 stars). 2 submissions from 2 submitters: Uncertain significance (2). Last evaluated 2024-05-30.

Conditions:
Inborn genetic diseases. Identifiers: MedGen C0950123, MeSH D030342.

Allele frequency attached by ClinVar (database versions not stated): gnomAD exomes below 0.00001 and 0.00001; gnomAD 0.00004 and 0.00005; TOPMed 0.00011.

Submissions (2):

Ambry Genetics
Classification: Uncertain significance for Inborn genetic diseases. Last evaluated: 2024-05-30. Review status: criteria provided, single submitter. Criteria: Ambry Variant Classification Scheme 2023. Collection method: clinical testing. Allele origin: germline.

Labcorp Genetics (formerly Invitae), Labcorp
Classification: Uncertain significance. Last evaluated: 2021-09-01. Review status: criteria provided, single submitter. Criteria: Invitae Variant Classification Sherloc (09022015). Collection method: clinical testing. Allele origin: germline.
Comment: This sequence change replaces arginine with tryptophan at codon 1314 of the OBSL1 protein (p.Arg1314Trp). The arginine residue is weakly conserved and there is a moderate physicochemical difference between arginine and tryptophan. This variant is not present in population databases (ExAC no frequency). This variant has not been reported in the literature in individuals affected with OBSL1-related conditions. Algorithms developed to predict the effect of missense changes on protein structure and function are either unavailable or do not agree on the potential impact of this missense change (SIFT: "Deleterious"; PolyPhen-2: "Probably Damaging"; Align-GVGD: "Class C0"). Algorithms developed to predict the effect of sequence changes on RNA splicing suggest that this variant may create or strengthen a splice site. In summary, the available evidence is currently insufficient to determine the role of this variant in disease. Therefore, it has been classified as a Variant of Uncertain Significance.